The following is an entry in ClinVar:

ClinVar aggregate classification (germline): Uncertain significance (1 of 4 stars; one submission).

Allele frequency attached by ClinVar (database versions not stated): 1000 Genomes Project 30x 0.00016; 1000 Genomes Project 0.00020; ESP Exome Variant Server 0.00039; ExAC 0.00063.
gnomAD v4.1: 1,595 of 1,587,912 alleles (0.1%); highest among the groups gnomAD compares: Non-Finnish European, 0.13%; 4 homozygotes.

Submission:

CeGaT Center for Human Genetics Tuebingen
Classification: Uncertain significance. Last evaluated: 2022-11-01. Review status: criteria provided, single submitter. Criteria: CeGaT Center For Human Genetics Tuebingen Variant Classification Criteria Version 2. Collection method: clinical testing. Allele origin: germline. Affected: yes. Observed: 1 variant allele.
Comment: LRP1: PP2

NM_002332.3(LRP1):c.10900G>A (p.Ala3634Thr)

Gene: LRP1 (LDL receptor related protein 1; plus strand). Cytogenetic location: 12q13.3.
Variant type: single nucleotide variant.
Coding change: c.10900G>A on transcript NM_002332.3 (MANE Select); coding-DNA position 10900, G replaced by A.
Protein change: p.Ala3634Thr; replaces alanine 3634 with threonine.
Molecular consequence: missense variant.
Genome position (GRCh38, 1-based): chr12:57,203,470, G>A. VCF-style: chr12-57203470-G-A. GRCh37 (hg19) VCF-style: chr12-57597253-G-A.
Other names: short protein forms A3634T.
Identifiers: ClinVar variation 2643128 (VCV002643128.24), dbSNP rs146774492, ClinGen allele CA6645113.
Genomic context (GRCh38, chr12:57,203,470, plus strand): 5'-GACATGGACCAGTTCCAGTGCAAGAGCGGCCACTGCATCCCCCTGCGCTGGCGCTGTGAC[G>A]CAGACGCCGACTGCATGGACGGCAGCGACGAGGAGGCCTGCGGCACTGGCGGTGCGCCCC-3'
Protein context (NP_002323.2, residues 3624-3644): HCIPLRWRCD[Ala3634Thr]DADCMDGSDE